The following is an entry in ClinVar:

NM_014915.3(ANKRD26):c.2506A>T (p.Ser836Cys)

Gene: ANKRD26 (ankyrin repeat domain 26; minus strand). Cytogenetic location: 10p12.1.
Variant type: single nucleotide variant.
Coding change: c.2506A>T on transcript NM_014915.3 (MANE Select); coding-DNA position 2506, A replaced by T.
Protein change: p.Ser836Cys; replaces serine 836 with cysteine.
Molecular consequence: missense variant.
Genome position (GRCh38, 1-based): chr10:27,037,924, T>A on the plus strand (A>T on the coding strand, the complement: ANKRD26 is on the minus strand). VCF-style: chr10-27037924-T-A. GRCh37 (hg19) VCF-style: chr10-27326853-T-A.
Other names: c.2503A>T, p.Ser835Cys (NM_001256053.2); short protein forms S836C, S835C.
Identifiers: ClinVar variation 4579441 (VCV004579441.1).

ClinVar aggregate classification (germline): Uncertain significance (1 of 4 stars; one submission).

Conditions:
Inborn genetic diseases. Identifiers: MedGen C0950123, MeSH D030342.

Submission:

Ambry Genetics
Classification: Uncertain significance for Inborn genetic diseases. Last evaluated: 2025-10-14. Review status: criteria provided, single submitter. Criteria: Ambry Variant Classification Scheme 2023. Collection method: clinical testing. Allele origin: germline.
Comment: The p.S836C variant (also known as c.2506A>T), located in coding exon 22 of the ANKRD26 gene, results from an A to T substitution at nucleotide position 2506. The serine at codon 836 is replaced by cysteine, an amino acid with dissimilar properties. This amino acid position is conserved. In addition, this alteration is predicted to be tolerated by in silico analysis. Based on the available evidence, the clinical significance of this variant remains unclear.